The following is an entry in ClinVar:

NM_001127178.3(PIGG):c.2389A>C (p.Ile797Leu)

Gene: PIGG (phosphatidylinositol glycan anchor biosynthesis class G (EMM blood group); plus strand). Cytogenetic location: 4p16.3.
Variant type: single nucleotide variant.
Coding change: c.2389A>C on transcript NM_001127178.3 (MANE Select); coding-DNA position 2389, A replaced by C.
Protein change: p.Ile797Leu; replaces isoleucine 797 with leucine.
Molecular consequence: missense variant. On other transcripts: non-coding transcript variant (6).
Genome position (GRCh38, 1-based): chr4:530,563, A>C. VCF-style: chr4-530563-A-C. GRCh37 (hg19) VCF-style: chr4-524352-A-C.
Other names: c.2122A>C, p.Ile708Leu (NM_001289051.2, NM_001345986.2); c.1990A>C, p.Ile664Leu (NM_001289052.2); c.2098A>C, p.Ile700Leu (NM_001345987.2); c.1360A>C, p.Ile454Leu (NM_001345988.2); c.856A>C, p.Ile286Leu (NM_001345990.2, NM_001345991.2); c.1291A>C, p.Ile431Leu (NM_001345994.2); c.2365A>C, p.Ile789Leu (NM_017733.5); short protein forms I286L, I431L, I454L, I664L, I700L, I708L, I789L, I797L.
Identifiers: ClinVar variation 2442638 (VCV002442638.2), dbSNP rs1728796304, ClinGen allele CA355910055.

ClinVar aggregate classification (germline): Uncertain significance (1 of 4 stars; one submission).

gnomAD v4.1: 2 of 1,613,634 alleles (0.00012%); highest among the groups gnomAD compares: Non-Finnish European, 0.00017%; no homozygotes.

Submission:

GeneDx
Classification: Uncertain significance. Last evaluated: 2024-11-09. Review status: criteria provided, single submitter. Criteria: GeneDx Variant Classification Process June 2021. Collection method: clinical testing. Allele origin: germline. Affected: yes.
Comment: Not observed at significant frequency in large population cohorts (gnomAD); In silico analysis supports that this missense variant does not alter protein structure/function; Has not been previously published as pathogenic or benign to our knowledge